The following is an entry in ClinVar:

ClinVar aggregate classification (germline): Likely benign. Review status: criteria provided, single submitter (1 of 4 stars). 2 submissions from 2 submitters: Likely benign (1). 1 of the submissions does not count toward it. Last evaluated 2025-10-30.

Conditions:
GPC4-related disorder. Also called: GPC4-related condition.
Inborn genetic diseases. Identifiers: MedGen C0950123, MeSH D030342.

Allele frequency attached by ClinVar (database versions not stated): gnomAD 0.00005; gnomAD exomes 0.00010; ExAC 0.00019; TOPMed below 0.00001.
gnomAD v4.1: 117 of 1,209,661 alleles (0.0097%); highest among the groups gnomAD compares: South Asian, 0.18%; 1 homozygote.

Submissions (2):

Ambry Genetics
Classification: Likely benign for Inborn genetic diseases. Last evaluated: 2025-10-30. Review status: criteria provided, single submitter. Criteria: Ambry Variant Classification Scheme 2023. Collection method: clinical testing. Allele origin: germline.

PreventionGenetics, part of Exact Sciences
Classification: Likely benign for GPC4-related condition. Last evaluated: 2022-09-08. Review status: no assertion criteria provided. Collection method: clinical testing. Allele origin: germline. Not counted in ClinVar's aggregate classification.
Comment: This variant is classified as likely benign based on ACMG/AMP sequence variant interpretation guidelines (Richards et al. 2015 PMID: 25741868, with internal and published modifications).

NM_001448.3(GPC4):c.581C>T (p.Thr194Met)

Gene: GPC4 (glypican 4; minus strand). Cytogenetic location: Xq26.2.
Variant type: single nucleotide variant.
Coding change: c.581C>T on transcript NM_001448.3 (MANE Select); coding-DNA position 581, C replaced by T.
Protein change: p.Thr194Met; replaces threonine 194 with methionine.
Molecular consequence: missense variant.
Genome position (GRCh38, 1-based): chrX:133,324,275, G>A on the plus strand (C>T on the coding strand, the complement: GPC4 is on the minus strand). VCF-style: chrX-133324275-G-A. GRCh37 (hg19) VCF-style: chrX-132458303-G-A.
Other names: short protein forms T194M.
Identifiers: ClinVar variation 3029488 (VCV003029488.3), dbSNP rs770984367, ClinGen allele CA10520500.
Genomic context (GRCh38, chrX:133,324,275, plus strand): 5'-GCACGAGTAACCTGGAGCTTCAATTTGCGAGGGACATCTCCGAAGGGCTTCAGCTGCTCC[G>A]TATACTTGCTCACACATTCCAGATACTCATCTGTAAAGTGGTACTGGGAGTTCACCAGGC-3'
Protein context (NP_001439.2, residues 184-204): DEYLECVSKY[Thr194Met]EQLKPFGDVP